The following is an entry in ClinVar:

NM_002839.3(PTPRD):c.352+22804_352+51088dup

Gene: PTPRD (protein tyrosine phosphatase receptor type D; minus strand). Cytogenetic location: 9p24.1.
Variant type: Duplication.
Coding change: c.352+22804_352+51088dup on transcript NM_002839.3; bases 22804 to 51088 of the intron after coding-DNA position 352, this stretch duplicated.
Identifiers: ClinVar variation 157135 (VCV000157135.2).

ClinVar aggregate classification (germline): not provided (0 of 4 stars; one submission).

Conditions:
Large for gestational age. Identifiers: MedGen C1848395, HP:0001520.

Submission:

Institute of Molecular and Cell Biology, University of Tartu
No classification provided. Condition: Large for gestational age. Review status: no classification provided. Collection method: case-control. Allele origin: unknown. Affected: yes. Study: Kasak2014.
Comment: The study aimed to determine the contribution of copy number variants in the genetic etiology of normal and complicated pregnancies. The samples represented (i) maternal blood DNA drawn from healthy pregnant women during 1st or 2nd trimester and (ii) maternal and paternal blood DNA drawn at term pregnancy cases representing normal and complicated gestations (severe preeclampsia, PE; gestational diabetes, GD; small-for-gestational age newborn, SGA; large-for-gestational age newborn, LGA). We performed CNV calling based on genome-wide genotyping dataset (Illumina HumanOmniExpress-24-v1 BeadChip) by applying three algorithms, QuantiSNP, GADA (Genome Alteration Detection Algorithm) and CNstream in parallel. The acquired CNV calls were merged with HD-CNV (Hotspot Detector for Copy Number Variants) program and only the CNVs predicted by at least two programs, were considered in subsequent analysis.

Literature cited by the submitters: PubMed 25666259.